The following is an entry in ClinVar:

NM_032581.4(HYCC1):c.863A>C (p.His288Pro)

Gene: HYCC1 (hyccin PI4KA lipid kinase complex subunit 1; minus strand). Cytogenetic location: 7p15.3.
Variant type: single nucleotide variant.
Coding change: c.863A>C on transcript NM_032581.4 (MANE Select); coding-DNA position 863, A replaced by C.
Protein change: p.His288Pro; replaces histidine 288 with proline.
Molecular consequence: missense variant.
Genome position (GRCh38, 1-based): chr7:22,960,384, T>G on the plus strand (A>C on the coding strand, the complement: HYCC1 is on the minus strand). VCF-style: chr7-22960384-T-G. GRCh37 (hg19) VCF-style: chr7-23000003-T-G.
Other names: c.863A>C, p.His288Pro (NM_001363466.2, NM_001363467.2); c.863A>C (NM_032581.3); short protein forms H288P.
Identifiers: ClinVar variation 1502173 (VCV001502173.9), dbSNP rs763251029, ClinGen allele CA4185882.

ClinVar aggregate classification (germline): Uncertain significance. Review status: criteria provided, multiple submitters, no conflicts (2 of 4 stars). 2 submissions from 2 submitters: Uncertain significance (2). Last evaluated 2025-12-09.

Conditions:
Hypomyelination and Congenital Cataract (HLD5). Also called: hypomyelinating leukodystrophy 5. Identifiers: Orphanet 85163, MedGen C1864663, MONDO:0012514, OMIM 610532.
Inborn genetic diseases. Identifiers: MedGen C0950123, MeSH D030342.

Allele frequency attached by ClinVar (database versions not stated): gnomAD exomes below 0.00001; ExAC 0.00001.
gnomAD v4.1: 6 of 1,613,496 alleles (0.00037%); highest among the groups gnomAD compares: Non-Finnish European, 0.00051%; no homozygotes.

Submissions (2):

Ambry Genetics
Classification: Uncertain significance for Inborn genetic diseases. Last evaluated: 2025-12-09. Review status: criteria provided, single submitter. Criteria: Ambry Variant Classification Scheme 2023. Collection method: clinical testing. Allele origin: germline.

Labcorp Genetics (formerly Invitae), Labcorp
Classification: Uncertain significance for Hypomyelination and Congenital Cataract. Last evaluated: 2025-06-20. Review status: criteria provided, single submitter. Criteria: Invitae Variant Classification Sherloc (09022015). Collection method: clinical testing. Allele origin: germline.
Comment: This sequence change replaces histidine, which is basic and polar, with proline, which is neutral and non-polar, at codon 288 of the FAM126A protein (p.His288Pro). This variant is present in population databases (rs763251029, gnomAD 0.0009%). This variant has not been reported in the literature in individuals affected with FAM126A-related conditions. ClinVar contains an entry for this variant (Variation ID: 1502173). Invitae Evidence Modeling of protein sequence and biophysical properties (such as structural, functional, and spatial information, amino acid conservation, physicochemical variation, residue mobility, and thermodynamic stability) indicates that this missense variant is not expected to disrupt FAM126A protein function with a negative predictive value of 80%. In summary, the available evidence is currently insufficient to determine the role of this variant in disease. Therefore, it has been classified as a Variant of Uncertain Significance.